The following is an entry in ClinVar:

ClinVar aggregate classification (germline): Uncertain significance (1 of 4 stars; one submission).

Conditions:
Ataxia-telangiectasia syndrome (AT). Also called: AT, COMPLEMENTATION GROUP C; Ataxia telangiectasia (A-T); Cerebello-oculocutaneous telangiectasia; Immunodeficiency with ataxia telangiectasia; LOUIS-BAR SYNDROME; Ataxia-telangiectasia. Identifiers: Orphanet 100, MedGen C0004135, MONDO:0008840, OMIM 208900.

Submission:

Labcorp Genetics (formerly Invitae), Labcorp
Classification: Uncertain significance for Ataxia-telangiectasia syndrome. Last evaluated: 2024-04-22. Review status: criteria provided, single submitter. Criteria: Invitae Variant Classification Sherloc (09022015). Collection method: clinical testing. Allele origin: germline.
Comment: This sequence change replaces serine, which is neutral and polar, with isoleucine, which is neutral and non-polar, at codon 875 of the ATM protein (p.Ser875Ile). This variant is not present in population databases (gnomAD no frequency). This variant has not been reported in the literature in individuals affected with ATM-related conditions. ClinVar contains an entry for this variant (Variation ID: 957453). Algorithms developed to predict the effect of missense changes on protein structure and function output the following: SIFT: "Not Available"; PolyPhen-2: "Benign"; Align-GVGD: "Not Available". The isoleucine amino acid residue is found in multiple mammalian species, which suggests that this missense change does not adversely affect protein function. In summary, the available evidence is currently insufficient to determine the role of this variant in disease. Therefore, it has been classified as a Variant of Uncertain Significance.

NM_000051.4(ATM):c.2624G>T (p.Ser875Ile)

Gene: ATM (ATM serine/threonine kinase; plus strand). Cytogenetic location: 11q22.3.
Variant type: single nucleotide variant.
Coding change: c.2624G>T on transcript NM_000051.4 (MANE Select); coding-DNA position 2624, G replaced by T.
Protein change: p.Ser875Ile; replaces serine 875 with isoleucine.
Molecular consequence: missense variant.
Genome position (GRCh38, 1-based): chr11:108,267,328, G>T. VCF-style: chr11-108267328-G-T. GRCh37 (hg19) VCF-style: chr11-108138055-G-T.
Other names: c.2624G>T, p.Ser875Ile (NM_001351834.2); short protein forms S875I.
Identifiers: ClinVar variation 957453 (VCV000957453.9), dbSNP rs2081312995, ClinGen allele CA382544277.
Genomic context (GRCh38, chr11:108,267,328, plus strand): 5'-TGAATCTATTTAACGATTACCCTGATAGTAGTGTTAGTGATGCAAACGAACCTGGAGAGA[G>T]CCAAAGTACCATAGGTAAATACATATTTACTACTTGGGATTTCTTTTACTTCTTTATATT-3'
Protein context (NP_000042.3, residues 865-885): SVSDANEPGE[Ser875Ile]QSTIGAINPL